The following is an entry in ClinVar:

NM_000428.3(LTBP2):c.4183A>G (p.Ser1395Gly)

Gene: LTBP2 (latent transforming growth factor beta binding protein 2; minus strand). Cytogenetic location: 14q24.3.
Variant type: single nucleotide variant.
Coding change: c.4183A>G on transcript NM_000428.3 (MANE Select); coding-DNA position 4183, A replaced by G.
Protein change: p.Ser1395Gly; replaces serine 1395 with glycine.
Molecular consequence: missense variant.
Genome position (GRCh38, 1-based): chr14:74,505,169, T>C on the plus strand (A>G on the coding strand, the complement: LTBP2 is on the minus strand). VCF-style: chr14-74505169-T-C. GRCh37 (hg19) VCF-style: chr14-74971872-T-C.
Other names: short protein forms S1395G.
Identifiers: ClinVar variation 1357461 (VCV001357461.6), dbSNP rs2139690225, ClinGen allele CA390386180.
Genomic context (GRCh38, chr14:74,505,169, plus strand): 5'-AGTAGCAGTCCATGCGGGTGGGGGCCGGGGCATGGTCCCCCGTTGGGGCCTCAGACATAC[T>C]CTGACCTGTGCGTGACAGATGCTCATTACTGTCTGTTCATGACCCTCTAAGGGGGGTCAA-3'
Protein context (NP_000419.1, residues 1385-1405): HCRPRGAGGQ[Ser1395Gly]MSEAPTGDHA

ClinVar aggregate classification (germline): Uncertain significance (1 of 4 stars; one submission).

gnomAD v4.1: 5 of 1,612,832 alleles (0.00031%); highest among the groups gnomAD compares: South Asian, 0.0044%; no homozygotes.

Submission:

Labcorp Genetics (formerly Invitae), Labcorp
Classification: Uncertain significance. Last evaluated: 2021-12-10. Review status: criteria provided, single submitter. Criteria: Invitae Variant Classification Sherloc (09022015). Collection method: clinical testing. Allele origin: germline.
Comment: In summary, the available evidence is currently insufficient to determine the role of this variant in disease. Therefore, it has been classified as a Variant of Uncertain Significance. Algorithms developed to predict the effect of sequence changes on RNA splicing suggest that this variant may create or strengthen a splice site. Algorithms developed to predict the effect of missense changes on protein structure and function (SIFT, PolyPhen-2, Align-GVGD) all suggest that this variant is likely to be tolerated. This variant has not been reported in the literature in individuals affected with LTBP2-related conditions. This variant is not present in population databases (gnomAD no frequency). This sequence change replaces serine, which is neutral and polar, with glycine, which is neutral and non-polar, at codon 1395 of the LTBP2 protein (p.Ser1395Gly).